The following is an entry in ClinVar:

ClinVar aggregate classification (germline): Likely benign (1 of 4 stars; one submission).

gnomAD v4.1: 168 of 1,232,122 alleles (0.014%); highest among the groups gnomAD compares: Middle Eastern, 0.031%; no homozygotes.

Submission:

CeGaT Center for Human Genetics Tuebingen
Classification: Likely benign. Last evaluated: 2026-06-01. Review status: criteria provided, single submitter. Criteria: CeGaT Center For Human Genetics Tuebingen Variant Classification Criteria Version 2. Collection method: clinical testing. Allele origin: germline. Affected: yes. Observed: 1 variant allele.
Comment: SH3D19: BP4, BP7

NM_001378122.1(SH3D19):c.285G>A (p.Ser95=)

Gene: SH3D19 (SH3 domain containing 19; minus strand). Cytogenetic location: 4q31.3.
Variant type: single nucleotide variant.
Coding change: c.285G>A on transcript NM_001378122.1 (MANE Select); coding-DNA position 285, G replaced by A.
Protein change: p.Ser95=; no amino-acid change (serine 95 retained).
Molecular consequence: synonymous variant. On other transcripts: 5 prime UTR variant (9).
Genome position (GRCh38, 1-based): chr4:151,176,907, C>T on the plus strand (G>A on the coding strand, the complement: SH3D19 is on the minus strand). VCF-style: chr4-151176907-C-T. GRCh37 (hg19) VCF-style: chr4-152098059-C-T.
Other names: c.-577G>A (NM_001009555.4); c.-565G>A (NM_001128923.2, NM_001378128.1); c.-556G>A (NM_001243349.2, NM_001378126.1, NM_001378127.1 and 3 more transcripts); c.285G>A, p.Ser95= (NM_001378121.1); c.108G>A, p.Ser36= (NM_001378123.1, NM_001378124.1).
Identifiers: ClinVar variation 4873243 (VCV004873243.2).
Genomic context (GRCh38, chr4:151,176,907, plus strand): 5'-AGAGCCTGCTGCAGATGATGTAGGAAATCCCAGTCCTGGGGGTGGGGTTCCTGGAAACCA[C>T]GAGGCTGGCCTCAGTGGCTCAGCTGCCACAATGGTGATCTCTGGGCGCCTAGTGGACAGA-3'
Protein context (NP_001365051.1, residues 85-105): IVAAEPLRPA[Ser95=]WFPGTPPPGL